The following is an entry in ClinVar:

NM_005562.3(LAMC2):c.*310G>A

Gene: LAMC2 (laminin subunit gamma 2; plus strand). Cytogenetic location: 1q25.3.
Variant type: single nucleotide variant.
Coding change: c.*310G>A on transcript NM_005562.3 (MANE Select); 310 bases downstream of the stop codon, G replaced by A.
Molecular consequence: 3 prime UTR variant.
Genome position (GRCh38, 1-based): chr1:183,243,710, G>A. VCF-style: chr1-183243710-G-A. GRCh37 (hg19) VCF-style: chr1-183212845-G-A.
Identifiers: ClinVar variation 294027 (VCV000294027.6), dbSNP rs599630, ClinGen allele CA10608408.

ClinVar aggregate classification (germline): Benign. Review status: criteria provided, multiple submitters, no conflicts (2 of 4 stars). 2 submissions from 2 submitters: Benign (2). Last evaluated 2018-01-12.

Conditions:
Junctional epidermolysis bullosa. Identifiers: Orphanet 305, MedGen C0079301, MONDO:0017612.

Allele frequency attached by ClinVar (database versions not stated): gnomAD 0.03707 and 0.04005; 1000 Genomes Project 0.03874; 1000 Genomes Project 30x 0.04341; TOPMed 0.04111.
gnomAD v4.1: 7,023 of 420,532 alleles (1.7%); highest among the groups gnomAD compares: African/African-American, 13%; 418 homozygotes.

Submissions (2):

Illumina Laboratory Services, Illumina
Classification: Benign for Junctional epidermolysis bullosa. Last evaluated: 2018-01-12. Review status: criteria provided, single submitter. Criteria: ICSL Variant Classification Criteria 13 December 2019. Collection method: clinical testing. Allele origin: germline.
Comment: This variant was observed in the ICSL laboratory as part of a predisposition screen in an ostensibly healthy population. It had not been previously curated by ICSL or reported in the Human Gene Mutation Database (HGMD: prior to June 1st, 2018), and was therefore a candidate for classification through an automated scoring system. Utilizing variant allele frequency, disease prevalence and penetrance estimates, and inheritance mode, an automated score was calculated to assess if this variant is too frequent to cause the disease. Based on the score and internal cut-off values, a variant classified as benign is not then subjected to further curation. The score for this variant resulted in a classification of benign for this disease.

Breakthrough Genomics
Classification: Benign. Review status: criteria provided, single submitter. Criteria: ACMG Guidelines, 2015. Collection method: not provided. Allele origin: germline. Inheritance: Autosomal recessive inheritance. Affected: yes.